The following is an entry in ClinVar:

NM_000512.5(GALNS):c.597G>C (p.Lys199Asn)

Gene: GALNS (galactosamine (N-acetyl)-6-sulfatase; minus strand). Cytogenetic location: 16q24.3.
Variant type: single nucleotide variant.
Coding change: c.597G>C on transcript NM_000512.5 (MANE Select); coding-DNA position 597, G replaced by C.
Protein change: p.Lys199Asn; replaces lysine 199 with asparagine.
Molecular consequence: missense variant.
Genome position (GRCh38, 1-based): chr16:88,836,237, C>G on the plus strand (G>C on the coding strand, the complement: GALNS is on the minus strand). VCF-style: chr16-88836237-C-G. GRCh37 (hg19) VCF-style: chr16-88902645-C-G.
Other names: p.Lys199Asn; c.42G>C, p.Lys14Asn (NM_001323543.2); c.615G>C, p.Lys205Asn (NM_001323544.2); c.597G>C (NM_000512.4); short protein forms K14N, K199N, K205N.
Identifiers: ClinVar variation 3380440 (VCV003380440.2).

ClinVar aggregate classification (germline): Uncertain significance. Review status: criteria provided, multiple submitters, no conflicts (2 of 4 stars). 2 submissions from 2 submitters: Uncertain significance (2). Last evaluated 2024-08-20.

Conditions:
Inborn genetic diseases. Identifiers: MedGen C0950123, MeSH D030342.

gnomAD v4.1: 6 of 1,613,340 alleles (0.00037%); highest among the groups gnomAD compares: African/African-American, 0.0013%; no homozygotes.

Submissions (2):

Ambry Genetics
Classification: Uncertain significance for Inborn genetic diseases. Last evaluated: 2024-08-20. Review status: criteria provided, single submitter. Criteria: Ambry Variant Classification Scheme 2023. Collection method: clinical testing. Allele origin: germline.

Mayo Clinic Laboratories, Mayo Clinic
Classification: Uncertain significance. Last evaluated: 2024-04-29. Review status: criteria provided, single submitter. Criteria: ACMG Guidelines, 2015. Collection method: clinical testing. Allele origin: germline. Observed: 1 variant allele.
Comment: PM2